The following is an entry in ClinVar:

ClinVar aggregate classification (germline): Pathogenic. Review status: criteria provided, multiple submitters, no conflicts (2 of 4 stars). 3 submissions from 3 submitters: Pathogenic (2). 1 of the submissions does not count toward it. Last evaluated 2026-04-14.

Conditions:
Familial intrahepatic cholestasis. Identifiers: Orphanet 284385, MedGen CN296401, MONDO:0017290.
ABCB4-related disorder. Also called: ABCB4-related disorders; ABCB4-related condition.

gnomAD v4.1: 1 of 1,614,166 alleles (0.000062%); highest among the groups gnomAD compares: Non-Finnish European, 0.000085%; no homozygotes.

Submissions (3):

Genomenon, Inc
Classification: Pathogenic for Familial intrahepatic cholestasis. Last evaluated: 2026-04-14. Review status: criteria provided, single submitter. Criteria: Genomenon Sequence Variant Interpretation Standards - Updated. Collection method: curation. Allele origin: germline. Affected: yes.
Comment: ABCB4 p.Gln197Ter (c.589C>T) is a nonsense variant that introduces a premature stop codon at amino acid position 197, creating a truncated protein that is predicted to undergo nonsense-mediated mRNA decay. This variant has been observed in at least one proband with an ABCB4-related disorder (PMID:38610052). It is absent or not present at a significant frequency in gnomAD. In conclusion, we classify ABCB4 p.Gln197Ter (c.589C>T) as a pathogenic variant.

Labcorp Genetics (formerly Invitae), Labcorp
Classification: Pathogenic. Last evaluated: 2025-12-30. Review status: criteria provided, single submitter. Criteria: Invitae Variant Classification Sherloc (09022015). Collection method: clinical testing. Allele origin: germline.
Comment: This sequence change creates a premature translational stop signal (p.Gln197*) in the ABCB4 gene. It is expected to result in an absent or disrupted protein product. Loss-of-function variants in ABCB4 are known to be pathogenic (PMID: 17726488, 25755532). This variant is not present in population databases (gnomAD no frequency). This premature translational stop signal has been observed in individual(s) with progressive familial intrahepatic cholestasis type 3 (PMID: 38610052). ClinVar contains an entry for this variant (Variation ID: 3346730). Algorithms developed to predict the effect of sequence changes on RNA splicing suggest that this variant may disrupt the consensus splice site. For these reasons, this variant has been classified as Pathogenic.

PreventionGenetics, part of Exact Sciences
Classification: Likely pathogenic for ABCB4-related condition. Last evaluated: 2024-08-30. Review status: no assertion criteria provided. Collection method: clinical testing. Allele origin: germline. Not counted in ClinVar's aggregate classification.
Comment: The ABCB4 c.589C>T variant is predicted to result in premature protein termination (p.Gln197*). This variant has been reported in the compound heterozygous state in an individual with cholestatic liver disease (Table S2, Cao et al. 2024. PubMed ID: 38610052). This variant has not been reported in a large population database, indicating this variant is rare. Nonsense variants in ABCB4 are expected to be pathogenic. This variant is interpreted as likely pathogenic.

Literature cited by the submitters: PubMed 38610052 (cited by Genomenon, Inc and Labcorp Genetics (formerly Invitae), Labcorp); PubMed 17726488 (cited by Labcorp Genetics (formerly Invitae), Labcorp); PubMed 25755532 (cited by Labcorp Genetics (formerly Invitae), Labcorp).

NM_000443.4(ABCB4):c.589C>T (p.Gln197Ter)

Gene: ABCB4 (ATP binding cassette subfamily B member 4; minus strand). Cytogenetic location: 7q21.12.
Variant type: single nucleotide variant.
Coding change: c.589C>T on transcript NM_000443.4 (MANE Select); coding-DNA position 589, C replaced by T.
Protein change: p.Gln197Ter; replaces glutamine 197 with a stop codon.
Molecular consequence: nonsense.
Genome position (GRCh38, 1-based): chr7:87,451,742, G>A on the plus strand (C>T on the coding strand, the complement: ABCB4 is on the minus strand). VCF-style: chr7-87451742-G-A. GRCh37 (hg19) VCF-style: chr7-87081058-G-A.
Other names: c.589C>T, p.Gln197Ter (NM_018849.3, NM_018850.3); short protein forms Q197*.
Identifiers: ClinVar variation 3346730 (VCV003346730.3).